The following is an entry in ClinVar:

ClinVar aggregate classification (germline): Likely benign (1 of 4 stars; one submission).

gnomAD v4.1: 13 of 1,532,426 alleles (0.00085%); highest among the groups gnomAD compares: African/African-American, 0.012%; no homozygotes.

Submission:

CeGaT Center for Human Genetics Tuebingen
Classification: Likely benign. Last evaluated: 2026-03-01. Review status: criteria provided, single submitter. Criteria: CeGaT Center For Human Genetics Tuebingen Variant Classification Criteria Version 2. Collection method: clinical testing. Allele origin: germline. Affected: yes. Observed: 1 variant allele.
Comment: KDM6B: BP4, BP7

NM_001348716.2(KDM6B):c.1461G>A (p.Lys487=)

Gene: KDM6B (lysine demethylase 6B; plus strand). Cytogenetic location: 17p13.1.
Variant type: single nucleotide variant.
Coding change: c.1461G>A on transcript NM_001348716.2 (MANE Select); coding-DNA position 1461, G replaced by A.
Protein change: p.Lys487=; no amino-acid change (lysine 487 retained).
Molecular consequence: synonymous variant.
Genome position (GRCh38, 1-based): chr17:7,847,749, G>A. VCF-style: chr17-7847749-G-A. GRCh37 (hg19) VCF-style: chr17-7751067-G-A.
Other names: c.1461G>A, p.Lys487= (NM_001080424.2).
Identifiers: ClinVar variation 4822486 (VCV004822486.4).